The following is an entry in ClinVar:

NM_004727.3(SLC24A1):c.2751C>T (p.Ile917=)

Gene: SLC24A1 (solute carrier family 24 member 1; plus strand). Cytogenetic location: 15q22.31.
Variant type: single nucleotide variant.
Coding change: c.2751C>T on transcript NM_004727.3 (MANE Select); coding-DNA position 2751, C replaced by T.
Protein change: p.Ile917=; no amino-acid change (isoleucine 917 retained).
Molecular consequence: synonymous variant.
Genome position (GRCh38, 1-based): chr15:65,650,900, C>T. VCF-style: chr15-65650900-C-T. GRCh37 (hg19) VCF-style: chr15-65943238-C-T.
Other names: c.732C>T, p.Ile244= (NM_001254740.2); c.2751C>T, p.Ile917= (NM_001301031.1); c.2697C>T, p.Ile899= (NM_001301032.1, NM_001301033.2).
Identifiers: ClinVar variation 316805 (VCV000316805.15), dbSNP rs368057501, ClinGen allele CA7620191.
Genomic context (GRCh38, chr15:65,650,900, plus strand): 5'-GTCCCTGGACTGGCCTGAAACCAGGCAGAAGCAGGCCATTTACCTCTTCCTTCTGCCCAT[C>T]GTGTTCCCACTGTGGCTGACAGTCCCCGACGTCCGAAGGCAGGTGAGTGTGCCCATCTGT-3'
Protein context (NP_004718.1, residues 907-927): KQAIYLFLLP[Ile917=]VFPLWLTVPD

ClinVar aggregate classification (germline): Conflicting classifications of pathogenicity. Review status: criteria provided, conflicting classifications (1 of 4 stars). 4 submissions from 4 submitters: Uncertain significance (1); Likely benign (2). 1 of the submissions does not count toward it. Last evaluated 2025-09-16.

Conditions:
Congenital stationary night blindness 1D. Also called: Night blindness, congenital stationary (complete), 1D, autosomal recessive. Identifiers: Orphanet 215, MedGen C3151193, MONDO:0013450, OMIM 613830.
SLC24A1-related disorder. Also called: SLC24A1-related condition.

Allele frequency attached by ClinVar (database versions not stated): ESP Exome Variant Server 0.00008; gnomAD exomes 0.00008 and 0.00030; ExAC 0.00009; TOPMed 0.00009; gnomAD 0.00010 and 0.00011.

Submissions (4):

Labcorp Genetics (formerly Invitae), Labcorp
Classification: Likely benign. Last evaluated: 2025-09-16. Review status: criteria provided, single submitter. Criteria: Invitae Variant Classification Sherloc (09022015). Collection method: clinical testing. Allele origin: germline.

Blueprint Genetics
Classification: Likely benign. Last evaluated: 2024-09-23. Review status: criteria provided, single submitter. Criteria: ACMG Guidelines, 2015. Collection method: clinical testing. Allele origin: germline.

Illumina Laboratory Services, Illumina
Classification: Uncertain significance for Congenital stationary night blindness 1D. Last evaluated: 2018-01-13. Review status: criteria provided, single submitter. Criteria: ICSL Variant Classification Criteria 13 December 2019. Collection method: clinical testing. Allele origin: germline.

PreventionGenetics, part of Exact Sciences
Classification: Likely benign for SLC24A1-related condition. Last evaluated: 2019-05-28. Review status: no assertion criteria provided. Collection method: clinical testing. Allele origin: germline. Not counted in ClinVar's aggregate classification.
Comment: This variant is classified as likely benign based on ACMG/AMP sequence variant interpretation guidelines (Richards et al. 2015 PMID: 25741868, with internal and published modifications).